The following is an entry in ClinVar:

NM_006623.4(PHGDH):c.985A>T (p.Thr329Ser)

Gene: PHGDH (phosphoglycerate dehydrogenase; plus strand). Cytogenetic location: 1p12.
Variant type: single nucleotide variant.
Coding change: c.985A>T on transcript NM_006623.4 (MANE Select); coding-DNA position 985, A replaced by T.
Protein change: p.Thr329Ser; replaces threonine 329 with serine.
Molecular consequence: missense variant.
Genome position (GRCh38, 1-based): chr1:119,740,425, A>T. VCF-style: chr1-119740425-A-T. GRCh37 (hg19) VCF-style: chr1-120283048-A-T.
Other names: short protein forms T329S.
Identifiers: ClinVar variation 712784 (VCV000712784.16), dbSNP rs201298102, ClinGen allele CA1037329.

ClinVar aggregate classification (germline): Benign/Likely benign. Review status: criteria provided, multiple submitters, no conflicts (2 of 4 stars). 7 submissions from 6 submitters: Benign (1); Likely benign (4). 2 of the submissions do not count toward it. Last evaluated 2026-01-28.

Conditions:
PHGDH-related disorder. Also called: PHGDH-related condition.
Neu-Laxova syndrome 1 (NLS1). Identifiers: Orphanet 2671, Orphanet 583607, MedGen C4551478, MONDO:0009736, OMIM 256520. Disease mechanism: loss of function.
PHGDH deficiency. Identifiers: Orphanet 79351, MedGen C1866174, MONDO:0011152, OMIM 601815.

Allele frequency attached by ClinVar (database versions not stated): ESP Exome Variant Server 0.00015; 1000 Genomes Project 30x 0.00016; 1000 Genomes Project 0.00020; TOPMed 0.00020; gnomAD exomes 0.00031 and 0.00063; gnomAD 0.00060 and 0.00064; ExAC 0.00077.
gnomAD v4.1: 547 of 1,613,686 alleles (0.034%); highest among the groups gnomAD compares: Non-Finnish European, 0.02%; 2 homozygotes.

Submissions (7):

Labcorp Genetics (formerly Invitae), Labcorp
Classification: Benign for PHGDH deficiency. Last evaluated: 2026-01-28. Review status: criteria provided, single submitter. Criteria: Invitae Variant Classification Sherloc (09022015). Collection method: clinical testing. Allele origin: germline.

Blueprint Genetics
Classification: Likely benign. Last evaluated: 2024-11-20. Review status: criteria provided, single submitter. Criteria: ACMG Guidelines, 2015. Collection method: clinical testing. Allele origin: germline.

Genome-Nilou Lab
Classification: Likely benign for Neu-Laxova syndrome 1. Last evaluated: 2023-04-11. Review status: criteria provided, single submitter. Criteria: ACMG Guidelines, 2015. Collection method: clinical testing. Allele origin: germline. Affected: no.

Genome-Nilou Lab
Classification: Likely benign for PHGDH deficiency. Last evaluated: 2023-04-11. Review status: criteria provided, single submitter. Criteria: ACMG Guidelines, 2015. Collection method: clinical testing. Allele origin: germline. Affected: no.

GeneDx
Classification: Likely benign. Last evaluated: 2021-06-04. Review status: criteria provided, single submitter. Criteria: GeneDx Variant Classification Process June 2021. Collection method: clinical testing. Allele origin: germline. Affected: yes.
Comment: In silico analysis supports that this missense variant does not alter protein structure/function; Has not been previously published as pathogenic or benign to our knowledge

PreventionGenetics, part of Exact Sciences
Classification: Likely benign for PHGDH-related condition. Last evaluated: 2024-09-10. Review status: no assertion criteria provided. Collection method: clinical testing. Allele origin: germline. Not counted in ClinVar's aggregate classification.
Comment: This variant is classified as likely benign based on ACMG/AMP sequence variant interpretation guidelines (Richards et al. 2015 PMID: 25741868, with internal and published modifications).

Natera, Inc.
Classification: Benign for Phosphoglycerate dehydrogenase deficiency. Last evaluated: 2020-05-02. Review status: no assertion criteria provided. Collection method: clinical testing. Allele origin: germline. Not counted in ClinVar's aggregate classification.